The following is an entry in ClinVar:

ClinVar aggregate classification (germline): Pathogenic (1 of 4 stars; one submission).

Conditions:
Marfan syndrome (MFS). Also called: MARFAN SYNDROME, TYPE I; Marfan syndrome type 1; Marfan's syndrome; Marfan syndrome, classic; FBN1-Related Marfan Syndrome. Identifiers: Orphanet 284963, Orphanet 558, MedGen C0024796, MONDO:0007947, OMIM 154700.
Familial thoracic aortic aneurysm and aortic dissection (TAAD). Also called: Thoracic aortic aneurysms and dissections. Identifiers: Orphanet 91387, MedGen C4707243, MONDO:0019625.

Submission:

Labcorp Genetics (formerly Invitae), Labcorp
Classification: Pathogenic for Marfan syndrome; Familial thoracic aortic aneurysm and aortic dissection. Last evaluated: 2025-01-15. Review status: criteria provided, single submitter. Criteria: Invitae Variant Classification Sherloc (09022015). Collection method: clinical testing. Allele origin: germline.
Comment: This sequence change affects an acceptor splice site in intron 54 of the FBN1 gene. It is expected to disrupt RNA splicing. Variants that disrupt the donor or acceptor splice site typically lead to a loss of protein function (PMID: 16199547), and loss-of-function variants in FBN1 are known to be pathogenic (PMID: 17657824, 19293843). This variant is not present in population databases (gnomAD no frequency). Disruption of this splice site has been observed in individuals with Marfan syndrome (PMID: 27906200; internal data). ClinVar contains an entry for this variant (Variation ID: 1519865). Algorithms developed to predict the effect of sequence changes on RNA splicing suggest that this variant may disrupt the consensus splice site. For these reasons, this variant has been classified as Pathogenic.

Literature cited by the submitters: PubMed 16199547; PubMed 17657824; PubMed 19293843; PubMed 27906200.

NM_000138.5(FBN1):c.6617-1G>C

Gene: FBN1 (fibrillin 1; minus strand). Cytogenetic location: 15q21.1.
Variant type: single nucleotide variant.
Coding change: c.6617-1G>C on transcript NM_000138.5 (MANE Select); the canonical splice acceptor site of the intron before coding-DNA position 6617, G replaced by C.
Molecular consequence: splice acceptor variant.
Genome position (GRCh38, 1-based): chr15:48,432,989, C>G on the plus strand (G>C on the coding strand, the complement: FBN1 is on the minus strand). VCF-style: chr15-48432989-C-G. GRCh37 (hg19) VCF-style: chr15-48725186-C-G.
Other names: c.6617-1G>C (NM_001406716.1).
Identifiers: ClinVar variation 1519865 (VCV001519865.8), dbSNP rs2141235271, ClinGen allele CA392333756.